The following is an entry in ClinVar:

ClinVar aggregate classification (germline): Uncertain significance (1 of 4 stars; one submission).

Conditions:
Schimke immuno-osseous dysplasia (SIOD). Also called: Schimke Immunoosseous Dysplasia. Identifiers: Orphanet 1830, MedGen C0877024, MONDO:0009458, OMIM 242900.

Submission:

Labcorp Genetics (formerly Invitae), Labcorp
Classification: Uncertain significance for Schimke immuno-osseous dysplasia. Last evaluated: 2022-09-19. Review status: criteria provided, single submitter. Criteria: Invitae Variant Classification Sherloc (09022015). Collection method: clinical testing. Allele origin: germline.
Comment: A copy number gain of the genomic region encompassing the full coding sequence of the SMARCAL1 gene has been identified. The boundaries of this event are unknown as they extend beyond the assayed region for this gene and therefore may encompass additional genes. As the precise location of this event is unknown, it may be in tandem or it may be located elsewhere in the genome. This variant has not been reported in the literature in individuals affected with SMARCAL1-related conditions. In summary, the available evidence is currently insufficient to determine the role of this variant in disease. Therefore, it has been classified as a Variant of Uncertain Significance.

NC_000002.11:g.(?_217279428)_(217347700_?)dup

Gene: SMARCAL1 (SNF2 related chromatin remodeling annealing helicase 1; plus strand). Cytogenetic location: 2q35.
Variant type: Duplication.
Identifiers: ClinVar variation 2425897 (VCV002425897.3).